The following is an entry in ClinVar:

NM_206937.2(LIG4):c.260C>G (p.Thr87Ser)

Gene: LIG4 (DNA ligase 4; minus strand). Cytogenetic location: 13q33.3.
Variant type: single nucleotide variant.
Coding change: c.260C>G on transcript NM_206937.2 (MANE Select); coding-DNA position 260, C replaced by G.
Protein change: p.Thr87Ser; replaces threonine 87 with serine.
Molecular consequence: missense variant.
Genome position (GRCh38, 1-based): chr13:108,211,009, G>C on the plus strand (C>G on the coding strand, the complement: LIG4 is on the minus strand). VCF-style: chr13-108211009-G-C. GRCh37 (hg19) VCF-style: chr13-108863357-G-C.
Other names: c.260C>G, p.Thr87Ser (NM_001098268.2, NM_001352598.2, NM_001352599.2 and 6 more transcripts); c.59C>G, p.Thr20Ser (NM_001330595.2); c.296C>G, p.Thr99Ser (NM_001352604.2); short protein forms T99S, T87S, T20S.
Identifiers: ClinVar variation 2165526 (VCV002165526.4), dbSNP rs1474350577, ClinGen allele CA388623803.
Genomic context (GRCh38, chr13:108,211,009, plus strand): 5'-AGGGCATCTTTTCCATCTCTAGGTAAATTAAGCAACTCAATATAAAGCTTAGCAAGCATA[G>C]TTTCTTTAATTCCATAGGCCATTCTCTCTCTTTCTAGCTGAGGAAGAATTAGTCTCATTG-3'
Protein context (NP_996820.1, residues 77-97): RERMAYGIKE[Thr87Ser]MLAKLYIELL

ClinVar aggregate classification (germline): Uncertain significance (1 of 4 stars; one submission).

Conditions:
DNA ligase IV deficiency. Identifiers: Orphanet 99812, MedGen C1847827, MONDO:0011686, OMIM 606593.

Allele frequency attached by ClinVar (database versions not stated): gnomAD exomes below 0.00001; gnomAD 0.00002.
gnomAD v4.1: 4 of 1,603,778 alleles (0.00025%); highest among the groups gnomAD compares: Middle Eastern, 0.05%; no homozygotes.

Submission:

Labcorp Genetics (formerly Invitae), Labcorp
Classification: Uncertain significance for DNA ligase IV deficiency. Last evaluated: 2025-08-15. Review status: criteria provided, single submitter. Criteria: Invitae Variant Classification Sherloc (09022015). Collection method: clinical testing. Allele origin: germline.
Comment: This sequence change replaces threonine, which is neutral and polar, with serine, which is neutral and polar, at codon 87 of the LIG4 protein (p.Thr87Ser). This variant is present in population databases (no rsID available, gnomAD 0.004%). This variant has not been reported in the literature in individuals affected with LIG4-related conditions. ClinVar contains an entry for this variant (Variation ID: 2165526). Invitae Evidence Modeling of protein sequence and biophysical properties (such as structural, functional, and spatial information, amino acid conservation, physicochemical variation, residue mobility, and thermodynamic stability) indicates that this missense variant is not expected to disrupt LIG4 protein function with a negative predictive value of 80%. In summary, the available evidence is currently insufficient to determine the role of this variant in disease. Therefore, it has been classified as a Variant of Uncertain Significance.